The following is an entry in ClinVar:

NM_002471.4(MYH6):c.4792_4793delinsCG (p.Ser1598Arg)

Genes: MYH6 (myosin heavy chain 6; minus strand), LOC126861896 (BRD4-independent group 4 enhancer GRCh37_chr14:23854904-23856103; plus strand). Cytogenetic location: 14q11.2.
Variant type: Indel.
Coding change: c.4792_4793delinsCG on transcript NM_002471.4 (MANE Select); coding-DNA positions 4792 to 4793, TC replaced by CG.
Protein change: p.Ser1598Arg; replaces serine 1598 with arginine.
Molecular consequence: missense variant.
Genome position (GRCh38, 1-based): chr14:23,386,481-23,386,482, GA replaced by CG on the plus strand (TC replaced by CG on the coding strand, the reverse complement: MYH6 is on the minus strand). VCF-style: chr14-23386481-GA-CG. GRCh37 (hg19) VCF-style: chr14-23855690-GA-CG.
Other names: c.4792_4793delTCinsCG (NM_002471.3); short protein forms S1598R.
Identifiers: ClinVar variation 1388794 (VCV001388794.7), dbSNP rs2138585182, ClinGen allele CA2573149834.

ClinVar aggregate classification (germline): Uncertain significance. Review status: criteria provided, multiple submitters, no conflicts (2 of 4 stars). 2 submissions from 2 submitters: Uncertain significance (2). Last evaluated 2026-04-24.

Conditions:
Cardiovascular phenotype. Identifiers: MedGen CN230736.
Hypertrophic cardiomyopathy 14. Identifiers: MedGen C2750467, MONDO:0013197, OMIM 613251.

Submissions (2):

Ambry Genetics
Classification: Uncertain significance for Cardiovascular phenotype. Last evaluated: 2026-04-24. Review status: criteria provided, single submitter. Criteria: Ambry Variant Classification Scheme 2023. Collection method: clinical testing. Allele origin: germline.
Comment: The c.4792_4793delTCinsCG variant (also known as p.S1598R), located in coding exon 31 of the MYH6 gene, results from an in-frame deletion of TC and insertion of CG at nucleotide positions 4792 to 4793. This results in the substitution of the serine residue for an arginine residue at codon 1598, an amino acid with dissimilar properties. This amino acid position is well conserved in available vertebrate species. In addition, the in silico prediction for this variant is inconclusive (Choi Y et al. PLoS ONE. 2012; 7(10):e46688). Based on the available evidence, the clinical significance of this variant remains unclear.

Labcorp Genetics (formerly Invitae), Labcorp
Classification: Uncertain significance for Hypertrophic cardiomyopathy 14. Last evaluated: 2021-10-23. Review status: criteria provided, single submitter. Criteria: Invitae Variant Classification Sherloc (09022015). Collection method: clinical testing. Allele origin: germline.
Comment: Information on the frequency of this variant in the gnomAD database is not available, as this variant may be reported differently in the database. This sequence change replaces serine, which is neutral and polar, with arginine, which is basic and polar, at codon 1598 of the MYH6 protein (p.Ser1598Arg). This variant has not been reported in the literature in individuals affected with MYH6-related conditions. In summary, the available evidence is currently insufficient to determine the role of this variant in disease. Therefore, it has been classified as a Variant of Uncertain Significance. Algorithms developed to predict the effect of missense changes on protein structure and function are either unavailable or do not agree on the potential impact of this missense change (SIFT: "Not Available"; PolyPhen-2: "Possibly Damaging"; Align-GVGD: "Not Available").